The following is an entry in ClinVar:

NM_000092.5(COL4A4):c.327+6C>T

Gene: COL4A4 (collagen type IV alpha 4 chain; minus strand). Cytogenetic location: 2q36.3.
Variant type: single nucleotide variant.
Coding change: c.327+6C>T on transcript NM_000092.5 (MANE Select); 6 bases into the intron after coding-DNA position 327, C replaced by T.
Molecular consequence: intron variant.
Genome position (GRCh38, 1-based): chr2:227,121,008, G>A on the plus strand (C>T on the coding strand, the complement: COL4A4 is on the minus strand). VCF-style: chr2-227121008-G-A. GRCh37 (hg19) VCF-style: chr2-227985724-G-A.
Identifiers: ClinVar variation 4777497 (VCV004777497.1).

ClinVar aggregate classification (germline): Uncertain significance (1 of 4 stars; one submission).

gnomAD v4.1: 3 of 1,614,020 alleles (0.00019%); highest among the groups gnomAD compares: Non-Finnish European, 0.00025%; no homozygotes.

Submission:

Labcorp Genetics (formerly Invitae), Labcorp
Classification: Uncertain significance. Last evaluated: 2025-12-09. Review status: criteria provided, single submitter. Criteria: Invitae Variant Classification Sherloc (09022015). Collection method: clinical testing. Allele origin: germline.
Comment: This sequence change falls in intron 5 of the COL4A4 gene. It does not directly change the encoded amino acid sequence of the COL4A4 protein. It affects a nucleotide within the consensus splice site. This variant is not present in population databases (gnomAD no frequency). This variant has not been reported in the literature in individuals affected with COL4A4-related conditions. Variants that disrupt the consensus splice site are a relatively common cause of aberrant splicing (PMID: 17576681, 9536098). Algorithms developed to predict the effect of sequence changes on RNA splicing suggest that this variant is not likely to affect RNA splicing. In summary, the available evidence is currently insufficient to determine the role of this variant in disease. Therefore, it has been classified as a Variant of Uncertain Significance.

Literature cited by the submitters: PubMed 17576681; PubMed 9536098.